The following is an entry in ClinVar:

ClinVar aggregate classification (germline): Likely benign (1 of 4 stars; one submission).

Submission:

CeGaT Center for Human Genetics Tuebingen
Classification: Likely benign. Last evaluated: 2026-07-01. Review status: criteria provided, single submitter. Criteria: CeGaT Center For Human Genetics Tuebingen Variant Classification Criteria Version 2. Collection method: clinical testing. Allele origin: germline. Affected: yes. Observed: 4 variant alleles.
Comment: TBP: BP4, BP7

NM_003194.5(TBP):c.252G>A (p.Gln84=)

Genes: TBP (TATA-box binding protein; plus strand), LOC108663996 (TATA-box binding protein repeat instability region; plus strand). Cytogenetic location: 6q27.
Variant type: single nucleotide variant.
Coding change: c.252G>A on transcript NM_003194.5 (MANE Select); coding-DNA position 252, G replaced by A.
Protein change: p.Gln84=; no amino-acid change (glutamine 84 retained).
Molecular consequence: synonymous variant.
Genome position (GRCh38, 1-based): chr6:170,561,988, G>A. VCF-style: chr6-170561988-G-A. GRCh37 (hg19) VCF-style: chr6-170871076-G-A.
Other names: c.192G>A, p.Gln64= (NM_001172085.2).
Identifiers: ClinVar variation 4083536 (VCV004083536.8).